The following is an entry in ClinVar:

NM_033380.3(COL4A5):c.3017-2A>G

Gene: COL4A5 (collagen type IV alpha 5 chain; plus strand). Cytogenetic location: Xq22.3.
Variant type: single nucleotide variant.
Coding change: c.3017-2A>G on transcript NM_033380.3 (MANE Select); the canonical splice acceptor site of the intron before coding-DNA position 3017, A replaced by G.
Molecular consequence: splice acceptor variant.
Genome position (GRCh38, 1-based): chrX:108,625,703, A>G. VCF-style: chrX-108625703-A-G. GRCh37 (hg19) VCF-style: chrX-107868933-A-G.
Other names: c.3017-2A>G (NM_000495.5).
Identifiers: ClinVar variation 1878364 (VCV001878364.6), dbSNP rs2524419875, ClinGen allele CA413854367.

ClinVar aggregate classification (germline): Pathogenic/Likely pathogenic. Review status: criteria provided, multiple submitters, no conflicts (2 of 4 stars). 2 submissions from 2 submitters: Pathogenic (1); Likely pathogenic (1). Last evaluated 2023-08-29.

Conditions:
X-linked Alport syndrome (ATS1). Also called: NEPHROPATHY AND DEAFNESS, X-LINKED; COL4A5-Related Nephropathy. Identifiers: Orphanet 63, Orphanet 88917, MedGen C4746986, MONDO:0010520, OMIM 301050.

Submissions (2):

Labcorp Genetics (formerly Invitae), Labcorp
Classification: Pathogenic. Last evaluated: 2023-08-29. Review status: criteria provided, single submitter. Criteria: Invitae Variant Classification Sherloc (09022015). Collection method: clinical testing. Allele origin: germline.
Comment: Disruption of this splice site has been observed in individuals with clinical features of Alport syndrome (PMID: 11223851; Invitae). This sequence change affects an acceptor splice site in intron 34 of the COL4A5 gene. It is expected to disrupt RNA splicing. Variants that disrupt the donor or acceptor splice site typically lead to a loss of protein function (PMID: 16199547), and loss-of-function variants in COL4A5 are known to be pathogenic (PMID: 9195222, 10752524, 14514738, 24854265, 26809805). This variant is not present in population databases (gnomAD no frequency). ClinVar contains an entry for this variant (Variation ID: 1878364). Algorithms developed to predict the effect of sequence changes on RNA splicing suggest that this variant may disrupt the consensus splice site. For these reasons, this variant has been classified as Pathogenic.

Women's Health and Genetics/Laboratory Corporation of America, LabCorp
Classification: Likely pathogenic for X-linked Alport syndrome. Last evaluated: 2022-12-22. Review status: criteria provided, single submitter. Criteria: LabCorp Variant Classification Summary - May 2015. Collection method: clinical testing. Allele origin: germline.
Comment: Variant summary: COL4A5 c.3017-2A>G is located in a canonical splice-site and is predicted to affect mRNA splicing resulting in a significantly altered protein due to either exon skipping, shortening, or inclusion of intronic material. Several computational tools predict a significant impact on normal splicing: Four predict the variant abolishes a 3 acceptor site. Three predict the variant creates a cryptic 3 acceptor site. However, these predictions have yet to be confirmed by functional studies. The variant was absent in 181410 control chromosomes (gnomAD). To our knowledge, no occurrence of c.3017-2A>G in individuals affected with Alport Syndrome 1, X-Linked Recessive and no experimental evidence demonstrating its impact on protein function have been reported. No clinical diagnostic laboratories have submitted clinical-significance assessments for this variant to ClinVar after 2014. Based on the evidence outlined above, the variant was classified as likely pathogenic.

Literature cited by the submitters: PubMed 11223851 (cited by Labcorp Genetics (formerly Invitae), Labcorp); PubMed 16199547 (cited by Labcorp Genetics (formerly Invitae), Labcorp); PubMed 9195222 (cited by Labcorp Genetics (formerly Invitae), Labcorp); PubMed 10752524 (cited by Labcorp Genetics (formerly Invitae), Labcorp); PubMed 14514738 (cited by Labcorp Genetics (formerly Invitae), Labcorp); PubMed 24854265 (cited by Labcorp Genetics (formerly Invitae), Labcorp); PubMed 26809805 (cited by Labcorp Genetics (formerly Invitae), Labcorp).